The following is an entry in ClinVar:

NM_000135.4(FANCA):c.4167+1G>A

Genes: FANCA (FA complementation group A; minus strand), ZNF276 (zinc finger protein 276; plus strand). Cytogenetic location: 16q24.3.
Variant type: single nucleotide variant.
Coding change: c.4167+1G>A on transcript NM_000135.4 (MANE Select); the canonical splice donor site of the intron after coding-DNA position 4167, G replaced by A.
Molecular consequence: splice donor variant. On other transcripts: missense variant (1), 3 prime UTR variant (2), non-coding transcript variant (4).
Genome position (GRCh38, 1-based): chr16:89,739,132, C>T on the plus strand (G>A on the coding strand, the complement: FANCA is on the minus strand). VCF-style: chr16-89739132-C-T. GRCh37 (hg19) VCF-style: chr16-89805540-C-T.
Other names: c.4168G>A, p.Ala1390Thr (NM_001286167.3); c.*886C>T (NM_001113525.2, NM_152287.4); short protein forms A1390T.
Identifiers: ClinVar variation 2663935 (VCV002663935.4), dbSNP rs2544078574, ClinGen allele CA397484246.

ClinVar aggregate classification (germline): Likely pathogenic. Review status: criteria provided, multiple submitters, no conflicts (2 of 4 stars). 3 submissions from 3 submitters: Likely pathogenic (3). Last evaluated 2024-03-20.

Conditions:
Fanconi anemia complementation group A (FANCA). Also called: FANCA-Related Fanconi Anemia; Fanconi anemia, group A. Identifiers: Orphanet 84, MedGen C3469521, MONDO:0009215, OMIM 227650.

Submissions (3):

Baylor Genetics
Classification: Likely pathogenic for Fanconi anemia complementation group A. Last evaluated: 2024-03-20. Review status: criteria provided, single submitter. Criteria: ACMG Guidelines, 2015. Collection method: clinical testing. Allele origin: unknown.

Juno Genomics, Hangzhou Juno Genomics, Inc
Classification: Likely pathogenic for Fanconi anemia complementation group A. Review status: criteria provided, single submitter. Criteria: ACMG Guidelines, 2015. Collection method: clinical testing. Allele origin: germline.
Comment: Null variant in a gene where loss of function (LOF) is a known mechanism of disease.;Absent from controls (or at extremely low frequency if recessive) in Genome Aggregation Database.

Neuberg Centre For Genomic Medicine, NCGM
Classification: Likely pathogenic for Fanconi anemia complementation group A. Review status: criteria provided, single submitter. Criteria: ACMG Guidelines, 2015. Collection method: clinical testing. Allele origin: germline. Inheritance: Autosomal recessive inheritance. Affected: yes.
Comment: The invariant splice donor c.4167+1G>A variant in FANCA gene has not been reported previously as a pathogenic variant nor as a benign variant, to our knowledge. The c.4167+1G>A variant is novel (not in any individuals) in both gnomAD Exomes and 1000 Genomes databases. This variant has not been reported to the ClinVar database. Loss of function variants have been previously reported to be disease causing. Additional studies will be required to prove the pathogenicity of this variant. For these reasons, this variant has been classified as Likely Pathogenic.